The following is an entry in ClinVar:

NM_000435.3(NOTCH3):c.945C>T (p.Ile315=)

Gene: NOTCH3 (notch receptor 3; minus strand). Cytogenetic location: 19p13.12.
Variant type: single nucleotide variant.
Coding change: c.945C>T on transcript NM_000435.3 (MANE Select); coding-DNA position 945, C replaced by T.
Protein change: p.Ile315=; no amino-acid change (isoleucine 315 retained).
Molecular consequence: synonymous variant.
Genome position (GRCh38, 1-based): chr19:15,191,515, G>A on the plus strand (C>T on the coding strand, the complement: NOTCH3 is on the minus strand). VCF-style: chr19-15191515-G-A. GRCh37 (hg19) VCF-style: chr19-15302326-G-A.
Identifiers: ClinVar variation 328414 (VCV000328414.51), dbSNP rs116239440, ClinGen allele CA9263752.
Genomic context (GRCh38, chr19:15,191,515, plus strand): 5'-AGAAGCCACGCGGTCATGGCAGGTGGCCCCATGGAAGCACACGGCTGTGGCACAGTCATC[G>A]ATATTCTGACTGCAGCTCTCGCCTGTCCAGCCATTGACACACACGCAGCTGTGGCCACCC-3'
Protein context (NP_000426.2, residues 305-325): GWTGESCSQN[Ile315=]DDCATAVCFH

ClinVar aggregate classification (germline): Benign/Likely benign. Review status: criteria provided, multiple submitters, no conflicts (2 of 4 stars). 9 submissions from 9 submitters: Benign (1); Likely benign (6). 2 of the submissions do not count toward it. Last evaluated 2026-07-01.

Conditions:
Cerebral arteriopathy, autosomal dominant, with subcortical infarcts and leukoencephalopathy, type 1 (CADASIL1). Also called: CASIL; Cerebral arteriopathy with subcortical infarcts and leukoencephalopathy 1; CADASIL 1; DEMENTIA, HEREDITARY MULTIINFARCT TYPE. Identifiers: Orphanet 136, MedGen C4551768, MONDO:0000914, OMIM 125310.

Allele frequency attached by ClinVar (database versions not stated): 1000 Genomes Project 30x 0.00016; 1000 Genomes Project 0.00020; TOPMed 0.00030; ESP Exome Variant Server 0.00031; ExAC 0.00037; gnomAD exomes 0.00040 and 0.00066; gnomAD 0.00044 and 0.00048.

Submissions (9):

CeGaT Center for Human Genetics Tuebingen
Classification: Likely benign. Last evaluated: 2026-07-01. Review status: criteria provided, single submitter. Criteria: CeGaT Center For Human Genetics Tuebingen Variant Classification Criteria Version 2. Collection method: clinical testing. Allele origin: germline. Affected: yes. Observed: 7 variant alleles.
Comment: NOTCH3: BP4, BP7

Labcorp Genetics (formerly Invitae), Labcorp
Classification: Likely benign. Last evaluated: 2025-02-02. Review status: criteria provided, single submitter. Criteria: Invitae Variant Classification Sherloc (09022015). Collection method: clinical testing. Allele origin: germline.

Blueprint Genetics
Classification: Likely benign. Last evaluated: 2024-11-13. Review status: criteria provided, single submitter. Criteria: ACMG Guidelines, 2015. Collection method: clinical testing. Allele origin: germline.

Athena Diagnostics
Classification: Benign. Last evaluated: 2023-11-10. Review status: criteria provided, single submitter. Criteria: Athena Diagnostics Criteria. Collection method: clinical testing. Allele origin: unknown.

ARUP Laboratories, Molecular Genetics and Genomics, ARUP Laboratories
Classification: Likely benign. Last evaluated: 2020-02-10. Review status: criteria provided, single submitter. Criteria: ARUP Molecular Germline Variant Investigation Process. Collection method: clinical testing. Allele origin: germline.

Illumina Laboratory Services, Illumina
Classification: Likely benign for Cerebral arteriopathy, autosomal dominant, with subcortical infarcts and leukoencephalopathy, type 1. Last evaluated: 2017-04-27. Review status: criteria provided, single submitter. Criteria: ICSL Variant Classification Criteria 13 December 2019. Collection method: clinical testing. Allele origin: germline.
Comment: This variant was observed as part of a predisposition screen in an ostensibly healthy population. A literature search was performed for the gene, cDNA change, and amino acid change (where applicable). Publications were found based on this search. The evidence from the literature, in combination with allele frequency data from public databases where available, was sufficient to determine this variant is unlikely to cause disease. Therefore, this variant is classified as likely benign.

Breakthrough Genomics
Classification: Likely benign. Review status: criteria provided, single submitter. Criteria: ACMG Guidelines, 2015. Collection method: not provided. Allele origin: germline. Inheritance: Autosomal dominant inheritance. Affected: yes.

Genome Diagnostics Laboratory, Amsterdam University Medical Center
Classification: Likely benign. Review status: no assertion criteria provided. Collection method: clinical testing. Allele origin: germline. Affected: yes. Study: VKGL Data-share Consensus. Not counted in ClinVar's aggregate classification.

Laboratory of Diagnostic Genome Analysis, Leiden University Medical Center (LUMC)
Classification: Likely benign. Review status: no assertion criteria provided. Collection method: clinical testing. Allele origin: germline. Affected: yes. Study: VKGL Data-share Consensus. Not counted in ClinVar's aggregate classification.

Literature cited by the submitters: PubMed 22153900 (cited by Athena Diagnostics and Illumina Laboratory Services, Illumina); PubMed 24086431 (cited by Athena Diagnostics and Illumina Laboratory Services, Illumina).